The following is an entry in ClinVar:

NM_001286577.2(C2CD3):c.3345A>G (p.Arg1115=)

Gene: C2CD3 (C2 domain containing 3 centriole elongation regulator; minus strand). Cytogenetic location: 11q13.4.
Variant type: single nucleotide variant.
Coding change: c.3345A>G on transcript NM_001286577.2 (MANE Select); coding-DNA position 3345, A replaced by G.
Protein change: p.Arg1115=; no amino-acid change (arginine 1115 retained).
Molecular consequence: synonymous variant.
Genome position (GRCh38, 1-based): chr11:74,092,588, T>C on the plus strand (A>G on the coding strand, the complement: C2CD3 is on the minus strand). VCF-style: chr11-74092588-T-C. GRCh37 (hg19) VCF-style: chr11-73803633-T-C.
Other names: c.3345A>G, p.Arg1115= (NM_015531.6); c.3345A>G (NM_015531.4).
Identifiers: ClinVar variation 2192595 (VCV002192595.5), dbSNP rs141518273, ClinGen allele CA6182415.

ClinVar aggregate classification (germline): Conflicting classifications of pathogenicity. Review status: criteria provided, conflicting classifications (1 of 4 stars). 2 submissions from 2 submitters: Uncertain significance (1); Likely benign (1). Last evaluated 2025-11-10.

Conditions:
Inborn genetic diseases. Identifiers: MedGen C0950123, MeSH D030342.

Allele frequency attached by ClinVar (database versions not stated): ExAC 0.00004; gnomAD 0.00005; TOPMed 0.00005; ESP Exome Variant Server 0.00008; gnomAD exomes 0.00009; 1000 Genomes Project 30x 0.00016; 1000 Genomes Project 0.00020.
gnomAD v4.1: 140 of 1,608,704 alleles (0.0087%); highest among the groups gnomAD compares: Admixed American, 0.012%; no homozygotes.

Submissions (2):

Labcorp Genetics (formerly Invitae), Labcorp
Classification: Uncertain significance. Last evaluated: 2025-11-10. Review status: criteria provided, single submitter. Criteria: Invitae Variant Classification Sherloc (09022015). Collection method: clinical testing. Allele origin: germline.
Comment: This sequence change affects codon 1115 of the C2CD3 mRNA. It is a 'silent' change, meaning that it does not change the encoded amino acid sequence of the C2CD3 protein. It affects a nucleotide within the consensus splice site. This variant is present in population databases (rs141518273, gnomAD 0.02%). This variant has not been reported in the literature in individuals affected with C2CD3-related conditions. ClinVar contains an entry for this variant (Variation ID: 2192595). Algorithms developed to predict the effect of sequence changes on RNA splicing suggest that this variant is not likely to affect RNA splicing. In summary, the available evidence is currently insufficient to determine the role of this variant in disease. Therefore, it has been classified as a Variant of Uncertain Significance.

Ambry Genetics
Classification: Likely benign for Inborn genetic diseases. Last evaluated: 2023-06-12. Review status: criteria provided, single submitter. Criteria: Ambry Variant Classification Scheme 2023. Collection method: clinical testing. Allele origin: germline.